The following is an entry in ClinVar:

NM_001267550.2(TTN):c.99605T>C (p.Leu33202Pro)

Genes: TTN (titin; minus strand), TTN-AS1 (TTN antisense RNA 1; plus strand). Cytogenetic location: 2q31.2.
Variant type: single nucleotide variant.
Coding change: c.99605T>C on transcript NM_001267550.2 (MANE Select); coding-DNA position 99605, T replaced by C.
Protein change: p.Leu33202Pro; replaces leucine 33202 with proline.
Molecular consequence: missense variant. On other transcripts: non-coding transcript variant (1).
Genome position (GRCh38, 1-based): chr2:178,537,602, A>G on the plus strand (T>C on the coding strand, the complement: TTN is on the minus strand). VCF-style: chr2-178537602-A-G. GRCh37 (hg19) VCF-style: chr2-179402329-A-G.
Other names: c.94682T>C, p.Leu31561Pro (NM_001256850.1); c.72410T>C, p.Leu24137Pro (NM_003319.4); c.91901T>C, p.Leu30634Pro (NM_133378.4); c.72785T>C, p.Leu24262Pro (NM_133432.3); c.72986T>C, p.Leu24329Pro (NM_133437.4); short protein forms L30634P, L33202P, L24262P, L24137P, L24329P, L31561P.
Identifiers: ClinVar variation 618459 (VCV000618459.10), dbSNP rs370632563, ClinGen allele CA1986166.
Genomic context (GRCh38, chr2:178,537,602, plus strand): 5'-CCAATGTACATAACATGAAGCCGAAGTGTGGAACCCACAGCTCCATAATATTTCTCTTTC[A>G]GTGGGTAACCAGGATGGAACTGCGGTGTTGCTTGCAGGAGAAGCTTACTACTGGTTTCTA-3'
Protein context (NP_001254479.2, residues 33192-33212): ATPQFHPGYP[Leu33202Pro]KEKYYGAVGS

ClinVar aggregate classification (germline): Uncertain significance. Review status: criteria provided, multiple submitters, no conflicts (2 of 4 stars). 2 submissions from 2 submitters: Uncertain significance (2). Last evaluated 2019-11-13.

Allele frequency attached by ClinVar (database versions not stated): gnomAD 0.00002 and 0.00003; gnomAD exomes 0.00002; TOPMed 0.00002; ExAC 0.00003; ESP Exome Variant Server 0.00017.
gnomAD v4.1: 10 of 1,613,570 alleles (0.00062%); highest among the groups gnomAD compares: Non-Finnish European, 0.00085%; no homozygotes.

Submissions (2):

GeneDx
Classification: Uncertain significance. Last evaluated: 2019-11-13. Review status: criteria provided, single submitter. Criteria: GeneDx Variant Classification Process June 2021. Collection method: clinical testing. Allele origin: germline. Affected: yes.
Comment: Not observed at a significant frequency in large population cohorts (Lek et al., 2016); Missense variant within the A-band in a gene in which most reported pathogenic variants are truncating/loss-of-function; Has not been previously published as pathogenic or benign to our knowledge

ARUP Laboratories, Molecular Genetics and Genomics, ARUP Laboratories
Classification: Uncertain significance. Last evaluated: 2018-05-15. Review status: criteria provided, single submitter. Criteria: ARUP Molecular Germline Variant Investigation Process. Collection method: clinical testing. Allele origin: germline.
Comment: The TTN c.91901T>C; p.Leu30634Pro variant (rs370632563) is rare in the general population (<1% allele frequency in the Genome Aggregation Database) and has not been reported in the medical literature in association with dilated cardiomyopathy (DCM) or other TTN-related disease. The clinical relevance of rare missense variants in this gene, which are identified on average once per individual sequenced in affected populations (Herman 2012), is not well understood. While the clinical significance of such variants is considered uncertain, evidence suggests that the vast majority of missense variants do not contribute to the clinical outcome of DCM (Begay 2015). Given the available evidence, the clinical significance of the p.Leu30634Pro variant cannot be determined with certainty.